The following is an entry in ClinVar:

NM_002834.5(PTPN11):c.214G>A (p.Ala72Thr)

Gene: PTPN11 (protein tyrosine phosphatase non-receptor type 11; plus strand). Cytogenetic location: 12q24.13.
Variant type: single nucleotide variant.
Coding change: c.214G>A on transcript NM_002834.5 (MANE Select); coding-DNA position 214, G replaced by A.
Protein change: p.Ala72Thr; replaces alanine 72 with threonine.
Molecular consequence: missense variant.
Genome position (GRCh38, 1-based): chr12:112,450,394, G>A. VCF-style: chr12-112450394-G-A. GRCh37 (hg19) VCF-style: chr12-112888198-G-A.
Other names: c.214G>A, p.Ala72Thr (NM_001330437.2, NM_080601.3); c.211G>A, p.Ala71Thr (NM_001374625.1); short protein forms A72T, A71T.
Identifiers: ClinVar variation 177754 (VCV000177754.25), dbSNP rs121918453, ClinGen allele CA180706.

ClinVar aggregate classification (germline): Pathogenic/Likely pathogenic. Review status: criteria provided, multiple submitters, no conflicts (2 of 4 stars). 11 submissions from 11 submitters: Pathogenic (6); Likely pathogenic (3). 2 of the submissions do not count toward it. Last evaluated 2026-07-02.
ClinVar aggregate classification (somatic clinical impact): Tier II - Potential. Review status: criteria provided, single submitter (1 of 4 stars). 3 submissions from 1 submitter. Last evaluated 2025-09-26.

Conditions:
Cardiovascular phenotype. Identifiers: MedGen CN230736.
PTPN11-related disorder. Also called: PTPN11-Related Disorders.
Noonan syndrome and Noonan-related syndrome. Identifiers: Orphanet 98733, MedGen C5681679, MONDO:0020297.
Juvenile myelomonocytic leukemia (JMML). Also called: LEUKEMIA, JUVENILE MYELOMONOCYTIC, SOMATIC. Identifiers: Orphanet 86834, MedGen C0349639, MONDO:0011908, OMIM 607785, HP:0012209.
Noonan syndrome (NS). Also called: Noonan's syndrome. Identifiers: Orphanet 648, MedGen C0028326, MeSH D009634, MONDO:0018997. Disease mechanism: gain of function.
RASopathy. Also called: rasopathies; Noonan spectrum disorder. Identifiers: Orphanet 536391, MedGen C5555857, MONDO:0021060.
Noonan syndrome 1 (NS1). Also called: FEMALE PSEUDO-TURNER SYNDROME; PTPN11-Related Noonan Syndrome; TURNER PHENOTYPE WITH NORMAL KARYOTYPE. Identifiers: Orphanet 648, MedGen C4551602, MONDO:0008104, OMIM 163950. Disease mechanism: gain of function.
Low grade glioma. Identifiers: MedGen C1997217, MONDO:0021637.
Rosette-forming glioneuronal tumor. Identifiers: Orphanet 251975, MedGen C4331262, MONDO:0016736, HP:0025171.
Pilocytic astrocytoma. Also called: Pilocytic astrocytoma, somatic. Identifiers: Orphanet 251612, MedGen C0334583, MONDO:0016691, HP:0033680.

Submissions 1 to 11 of 14:

Ambry Genetics
Classification: Pathogenic for Cardiovascular phenotype. Last evaluated: 2026-07-02. Review status: criteria provided, single submitter. Criteria: Ambry Variant Classification Scheme 2023. Collection method: clinical testing. Allele origin: germline.
Comment: The c.214G>A (p.A72T) alteration is located in exon 3 (coding exon 3) of the PTPN11 gene. This alteration results from a G to A substitution at nucleotide position 214, causing the alanine (A) at amino acid position 72 to be replaced by a threonine (T). for PTPN11-related RASopathy; however, it is unlikely to be causative of Metachondromatosis. This variant was not reported in population-based cohorts in the Genome Aggregation Database (gnomAD). This variant was determined to be de novo in at least one individual with features consistent with PTPN11-related RASopathy (Westphal, 2019; Gabriel, 2022). Other variant(s) at the same codon, c.214G>A (p.A72P), c.214G>T (p.A72S), c.215C>G (p.A72G), c.215C>T (p.A72V), c.215C>A (p.A72D), have been identified in individuals with features consistent with PTPN11-related RASopathy (Bessis, 2019; Yu, 2019; Papadopoulos, 2022; Zepeda-Olmos, 2024; Ambry internal data). This amino acid position is highly conserved in available vertebrate species. This alteration is predicted to be deleterious by in silico analysis. Based on the available evidence, this alteration is classified as pathogenic.

GeneDx
Classification: Pathogenic. Last evaluated: 2025-10-02. Review status: criteria provided, single submitter. Criteria: GeneDx Variant Classification Process June 2021. Collection method: clinical testing. Allele origin: germline. Affected: yes.
Comment: Frequently observed as a somatic variant in patients with juvenile myelomonocytic leukemia (JMML), acute myeloid leukemia (AML), and/or myelodysplastic syndrome (MDS) (PMID: 12717436, 15928039, 16358218, 17330262, 17972951, 21901340, 34459887); Not observed at significant frequency in large population cohorts (gnomAD); Missense variants in this gene are often considered pathogenic (HGMD); In silico analysis supports that this missense variant has a deleterious effect on protein structure/function; This variant is associated with the following publications: (PMID: 17972951, 12634870, 16518851, 21901340, 12717436, 14982869, 16358218, 17330262, 17353900, 28098151, 34958143, 32786180, 34411415, 34459887, 33057194, 35982159, 30868567, 15928039, 11992261, 9491886, 16053901, 29493581)

Institute for Genomic Medicine (IGM) Clinical Laboratory, Nationwide Children's Hospital
Classification: Tier II - Potential for Low grade glioma. Assertion type: diagnostic. Clinical significance: supports diagnosis. Last evaluated: 2025-09-26. Review status: criteria provided, single submitter. Criteria: AMP/ASCO/CAP Guidelines, 2017. Collection method: clinical testing. Allele origin: somatic. Affected: yes.
Comment: Variant has Tier II (potential) clinical significance as a diagnostic inclusion criterion in low grade glioma, based on the following evidence: 1) Documented in one or more cancer databases (e.g., St. Jude Pecan, COSMIC, CIViC, OncoKB). 2) Information in the literature supports potential biologic effect of variant (PMID: 16358218). 3) Diagnostic significance based on multiple small studies (Evidence Level C; PMIDs: 23817572, 28912153, 32164789).

Genesolutions, Medical Genetics Institutes, Ho Chi Minh City, Vietnam
Classification: Pathogenic for Noonan syndrome 1. Last evaluated: 2025-09-24. Review status: criteria provided, single submitter. Criteria: ACMG Guidelines, 2015. Collection method: clinical testing. Allele origin: germline. Affected: yes.

Dasa
Classification: Pathogenic. Last evaluated: 2025-04-08. Review status: criteria provided, single submitter. Criteria: DASA Assertion Criteria. Collection method: clinical testing. Allele origin: germline.
Comment: NM_002834.5(PTPN11):c.214G>A (p.Ala72Thr) is a missense variant that results in the substitution of alanine with threonine. The affected residue or protein region has prior evidence supporting clinical relevance. De novo occurrence has been reported in an individual with related phenotype. This variant has been recurrently observed in individuals with related phenotype (PMID: 36349709; PMID: 30868567). Multiple computational predictions support a deleterious effect on the gene or gene product. The variant is present at low frequency in population datasets. Based on the available data, this variant is classified as pathogenic.

Blueprint Genetics
Classification: Likely pathogenic for PTPN11-related disorders. Last evaluated: 2024-08-30. Review status: criteria provided, single submitter. Criteria: ACMG Guidelines, 2015. Collection method: clinical testing. Allele origin: germline. Affected: yes. Observed: 1 variant allele.

Institute for Genomic Medicine (IGM) Clinical Laboratory, Nationwide Children's Hospital
Classification: Tier II - Potential for Pilocytic astrocytoma. Assertion type: diagnostic. Clinical significance: supports diagnosis. Last evaluated: 2023-11-06. Review status: criteria provided, single submitter. Criteria: AMP/ASCO/CAP Guidelines, 2017. Collection method: clinical testing. Allele origin: somatic. Affected: yes.
Comment: Variant has Tier II (potential) clinical significance as a diagnostic inclusion criterion in pilocytic astrocytoma, based on the following evidence: 1) Diagnostic significance based on multiple small studies (Evidence Level C; PMIDs: 28912153, 32164789).

Institute for Genomic Medicine (IGM) Clinical Laboratory, Nationwide Children's Hospital
Classification: Tier II - Potential for Rosette-forming glioneuronal tumor. Assertion type: diagnostic. Clinical significance: supports diagnosis. Last evaluated: 2023-10-18. Review status: criteria provided, single submitter. Criteria: AMP/ASCO/CAP Guidelines, 2017. Collection method: clinical testing. Allele origin: somatic. Affected: yes.
Comment: Variant has Tier II (potential) clinical significance as a diagnostic inclusion criterion in rosette-forming glioneuronal tumor of fourth ventricule, based on the following evidence: 1) Documented in one or more cancer databases (e.g., St. Jude Pecan, COSMIC, CIViC, OncoKB). 2) Diagnostic significance based on multiple small studies (Evidence Level C; PMIDs: 31250151, 32859279, 27626068).

Women's Health and Genetics/Laboratory Corporation of America, LabCorp
Classification: Pathogenic for Rasopathy. Last evaluated: 2019-07-29. Review status: criteria provided, single submitter. Criteria: LabCorp Variant Classification Summary - May 2015. Collection method: clinical testing. Allele origin: germline.
Comment: Variant summary: PTPN11 c.214G>A (p.Ala72Thr) results in a non-conservative amino acid change located in the SH2 domain of the encoded protein sequence. Five of five in-silico tools predict a damaging effect of the variant on protein function. Overlapping variants at Ala72 and adjacent codons have been implicated in Noonan syndrome (e.g., p.A72G, p.A72P, p.A72S), suggesting the codon and motif are critical for proper protein function. The variant was absent in 251056 control chromosomes. c.214G>A has been reported in the literature in multiple individuals affected with Noonan Syndrome and Related Conditions such as JMML, and prenatally diagnosed CHD/Noonan syndrome ((Kratz_2005, Mason-Suares_2017, Westphal_2019). One of these publications reported the identification of this variant as a confirmed de-novo variant following trio-based exome sequence analysis (Westphal_2019). These data indicate that the variant is very likely to be associated with disease. To our knowledge, no experimental evidence demonstrating an impact on protein function has been reported. Two clinical diagnostic laboratories have submitted clinical-significance assessments for this variant to ClinVar after 2014 without evidence for independent evaluation. All laboratories classified the variant as pathogenic/likely pathogenic. Based on the evidence outlined above, the variant was classified as pathogenic.

Genome Diagnostics Laboratory, The Hospital for Sick Children
Classification: Likely pathogenic for Noonan syndrome and Noonan-related syndrome. Last evaluated: 2019-06-01. Review status: criteria provided, single submitter. Criteria: ACMG Guidelines, 2015. Collection method: clinical testing. Allele origin: germline. Affected: yes.

Institute of Human Genetics Munich, TUM University Hospital
Classification: Pathogenic for Noonan syndrome 1. Last evaluated: 2018-03-27. Review status: criteria provided, single submitter. Criteria: Classification criteria August 2017. Collection method: clinical testing. Allele origin: de novo. Inheritance: Autosomal dominant inheritance. Affected: yes. Observed: 1 heterozygote.